The following is an entry in ClinVar:

NM_001367805.3(KIF23):c.168T>C (p.Thr56=)

Gene: KIF23 (kinesin family member 23; plus strand). Cytogenetic location: 15q23.
Variant type: single nucleotide variant.
Coding change: c.168T>C on transcript NM_001367805.3 (MANE Select); coding-DNA position 168, T replaced by C.
Protein change: p.Thr56=; no amino-acid change (threonine 56 retained).
Molecular consequence: synonymous variant. On other transcripts: 5 prime UTR variant (1), non-coding transcript variant (2).
Genome position (GRCh38, 1-based): chr15:69,417,469, T>C. VCF-style: chr15-69417469-T-C. GRCh37 (hg19) VCF-style: chr15-69709808-T-C.
Other names: c.-26T>C (NM_001281301.2); c.168T>C, p.Thr56= (NM_001367804.2, NM_004856.7, NM_138555.4).
Identifiers: ClinVar variation 3054710 (VCV003054710.2), dbSNP rs2548713412, ClinGen allele CA490980180.

ClinVar aggregate classification (germline): Likely benign (0 of 4 stars; one submission).

Conditions:
KIF23-related disorder. Also called: KIF23-related condition.

Submission:

PreventionGenetics, part of Exact Sciences
Classification: Likely benign for KIF23-related condition. Last evaluated: 2022-11-04. Review status: no assertion criteria provided. Collection method: clinical testing. Allele origin: germline.
Comment: This variant is classified as likely benign based on ACMG/AMP sequence variant interpretation guidelines (Richards et al. 2015 PMID: 25741868, with internal and published modifications).